The following is an entry in ClinVar:

ClinVar aggregate classification (germline): Uncertain significance. Review status: criteria provided, multiple submitters, no conflicts (2 of 4 stars). 2 submissions from 2 submitters: Uncertain significance (2). Last evaluated 2024-12-29.

Conditions:
Hereditary cancer-predisposing syndrome. Also called: Hereditary neoplastic syndrome; Tumor predisposition; Neoplastic Syndromes, Hereditary; Hereditary Cancer Syndrome. Identifiers: Orphanet 140162, MedGen C0027672, MeSH D009386, MONDO:0015356.

Allele frequency attached by ClinVar (database versions not stated): gnomAD exomes below 0.00001.

Submissions (2):

Labcorp Genetics (formerly Invitae), Labcorp
Classification: Uncertain significance. Last evaluated: 2024-12-29. Review status: criteria provided, single submitter. Criteria: Invitae Variant Classification Sherloc (09022015). Collection method: clinical testing. Allele origin: germline.
Comment: This sequence change replaces glutamic acid, which is acidic and polar, with aspartic acid, which is acidic and polar, at codon 1299 of the POLE protein (p.Glu1299Asp). This variant is not present in population databases (gnomAD no frequency). This variant has not been reported in the literature in individuals affected with POLE-related conditions. ClinVar contains an entry for this variant (Variation ID: 1349718). An algorithm developed to predict the effect of missense changes on protein structure and function outputs the following: PolyPhen-2: "Benign". The aspartic acid amino acid residue is found in multiple mammalian species, which suggests that this missense change does not adversely affect protein function. In summary, the available evidence is currently insufficient to determine the role of this variant in disease. Therefore, it has been classified as a Variant of Uncertain Significance.

Ambry Genetics
Classification: Uncertain significance for Hereditary cancer-predisposing syndrome. Last evaluated: 2024-09-27. Review status: criteria provided, single submitter. Criteria: Ambry Variant Classification Scheme 2023. Collection method: clinical testing. Allele origin: germline.
Comment: The p.E1299D variant (also known as c.3897G>C), located in coding exon 31 of the POLE gene, results from a G to C substitution at nucleotide position 3897. The glutamic acid at codon 1299 is replaced by aspartic acid, an amino acid with highly similar properties. This amino acid position is conserved. In addition, this alteration is predicted to be tolerated by in silico analysis. Based on the available evidence, the clinical significance of this variant remains unclear.

NM_006231.4(POLE):c.3897G>C (p.Glu1299Asp)

Gene: POLE (DNA polymerase epsilon, catalytic subunit; minus strand). Cytogenetic location: 12q24.33.
Variant type: single nucleotide variant.
Coding change: c.3897G>C on transcript NM_006231.4 (MANE Select); coding-DNA position 3897, G replaced by C.
Protein change: p.Glu1299Asp; replaces glutamic acid 1299 with aspartic acid.
Molecular consequence: missense variant.
Genome position (GRCh38, 1-based): chr12:132,649,414, C>G on the plus strand (G>C on the coding strand, the complement: POLE is on the minus strand). VCF-style: chr12-132649414-C-G. GRCh37 (hg19) VCF-style: chr12-133226000-C-G.
Other names: c.3897G>C (NM_006231.2); short protein forms E1299D.
Identifiers: ClinVar variation 1349718 (VCV001349718.9), dbSNP rs2138607814, ClinGen allele CA387385210.